The following is an entry in ClinVar:

NM_000264.5(PTCH1):c.1324G>C (p.Val442Leu)

Gene: PTCH1 (patched 1; minus strand). Cytogenetic location: 9q22.32.
Variant type: single nucleotide variant.
Coding change: c.1324G>C on transcript NM_000264.5 (MANE Select); coding-DNA position 1324, G replaced by C.
Protein change: p.Val442Leu; replaces valine 442 with leucine.
Molecular consequence: missense variant. On other transcripts: non-coding transcript variant (1).
Genome position (GRCh38, 1-based): chr9:95,478,078, C>G on the plus strand (G>C on the coding strand, the complement: PTCH1 is on the minus strand). VCF-style: chr9-95478078-C-G. GRCh37 (hg19) VCF-style: chr9-98240360-C-G.
Other names: c.1126G>C, p.Val376Leu (NM_001083602.3); c.1321G>C, p.Val441Leu (NM_001083603.3); c.871G>C, p.Val291Leu (NM_001083604.3, NM_001083605.3, NM_001083606.3 and 1 more transcripts); c.1324G>C, p.Val442Leu (NM_001354918.2); short protein forms V291L, V376L, V442L, V441L.
Identifiers: ClinVar variation 2124489 (VCV002124489.5), dbSNP rs759493890, ClinGen allele CA374118746.

ClinVar aggregate classification (germline): Uncertain significance. Review status: criteria provided, multiple submitters, no conflicts (2 of 4 stars). 2 submissions from 2 submitters: Uncertain significance (2). Last evaluated 2026-02-16.

Conditions:
Gorlin syndrome. Also called: Nevoid Basal Cell Carcinoma Syndrome; Basal cell nevus syndrome. Identifiers: Orphanet 377, MedGen C0004779, MONDO:0007187.
Hereditary cancer-predisposing syndrome. Also called: Neoplastic Syndromes, Hereditary; Tumor predisposition; Hereditary Cancer Syndrome; Hereditary neoplastic syndrome. Identifiers: Orphanet 140162, MedGen C0027672, MeSH D009386, MONDO:0015356.

Submissions (2):

Ambry Genetics
Classification: Uncertain significance for Hereditary cancer-predisposing syndrome. Last evaluated: 2026-02-16. Review status: criteria provided, single submitter. Criteria: Ambry Variant Classification Scheme 2023. Collection method: clinical testing. Allele origin: germline.
Comment: The p.V442L variant (also known as c.1324G>C), located in coding exon 9 of the PTCH1 gene, results from a G to C substitution at nucleotide position 1324. The valine at codon 442 is replaced by leucine, an amino acid with highly similar properties. This amino acid position is conserved. In addition, this alteration is predicted to be deleterious by in silico analysis. Based on the available evidence, the clinical significance of this variant remains unclear.

Labcorp Genetics (formerly Invitae), Labcorp
Classification: Uncertain significance for Gorlin syndrome. Last evaluated: 2022-04-11. Review status: criteria provided, single submitter. Criteria: Invitae Variant Classification Sherloc (09022015). Collection method: clinical testing. Allele origin: germline.
Comment: In summary, the available evidence is currently insufficient to determine the role of this variant in disease. Therefore, it has been classified as a Variant of Uncertain Significance. Advanced modeling of protein sequence and biophysical properties (such as structural, functional, and spatial information, amino acid conservation, physicochemical variation, residue mobility, and thermodynamic stability) performed at Invitae indicates that this missense variant is not expected to disrupt PTCH1 protein function. This variant has not been reported in the literature in individuals affected with PTCH1-related conditions. This variant is not present in population databases (gnomAD no frequency). This sequence change replaces valine, which is neutral and non-polar, with leucine, which is neutral and non-polar, at codon 442 of the PTCH1 protein (p.Val442Leu).